The following is an entry in ClinVar:

NM_000257.4(MYH7):c.5506T>G (p.Ser1836Ala)

Gene: MYH7 (myosin heavy chain 7; minus strand). Cytogenetic location: 14q11.2.
Variant type: single nucleotide variant.
Coding change: c.5506T>G on transcript NM_000257.4 (MANE Select); coding-DNA position 5506, T replaced by G.
Protein change: p.Ser1836Ala; replaces serine 1836 with alanine.
Molecular consequence: missense variant.
Genome position (GRCh38, 1-based): chr14:23,415,048, A>C on the plus strand (T>G on the coding strand, the complement: MYH7 is on the minus strand). VCF-style: chr14-23415048-A-C. GRCh37 (hg19) VCF-style: chr14-23884257-A-C.
Other names: short protein forms S1836A.
Identifiers: ClinVar variation 921251 (VCV000921251.5), dbSNP rs1892127650, ClinGen allele CA389035107.

ClinVar aggregate classification (germline): Uncertain significance. Review status: criteria provided, multiple submitters, no conflicts (2 of 4 stars). 2 submissions from 2 submitters: Uncertain significance (2). Last evaluated 2025-05-19.

Conditions:
Cardiomyopathy (CMYO). Also called: Cardiomyopathies. Identifiers: Orphanet 167848, MedGen C0878544, MONDO:0004994, HP:0001638. Inheritance: Various modes of inheritance.
Hypertrophic cardiomyopathy. Also called: HYPERTROPHIC MYOCARDIOPATHY. Identifiers: Orphanet 217569, MedGen C0007194, MeSH D002312, MONDO:0005045, HP:0001639.

Allele frequency attached by ClinVar (database versions not stated): TOPMed below 0.00001; gnomAD exomes 0.00001.
gnomAD v4.1: 9 of 1,612,104 alleles (0.00056%); highest among the groups gnomAD compares: Non-Finnish European, 0.00076%; no homozygotes.

Submissions (2):

Labcorp Genetics (formerly Invitae), Labcorp
Classification: Uncertain significance for Hypertrophic cardiomyopathy. Last evaluated: 2025-05-19. Review status: criteria provided, single submitter. Criteria: Invitae Variant Classification Sherloc (09022015). Collection method: clinical testing. Allele origin: germline.
Comment: This sequence change replaces serine, which is neutral and polar, with alanine, which is neutral and non-polar, at codon 1836 of the MYH7 protein (p.Ser1836Ala). This variant is not present in population databases (gnomAD no frequency). This variant has not been reported in the literature in individuals affected with MYH7-related conditions. ClinVar contains an entry for this variant (Variation ID: 921251). Invitae Evidence Modeling of protein sequence and biophysical properties (such as structural, functional, and spatial information, amino acid conservation, physicochemical variation, residue mobility, and thermodynamic stability) indicates that this missense variant is not expected to disrupt MYH7 protein function with a negative predictive value of 95%. In summary, the available evidence is currently insufficient to determine the role of this variant in disease. Therefore, it has been classified as a Variant of Uncertain Significance.

Color Diagnostics, LLC DBA Color Health
Classification: Uncertain significance for Cardiomyopathy. Last evaluated: 2024-03-06. Review status: criteria provided, single submitter. Criteria: ACMG Guidelines, 2015. Collection method: clinical testing. Allele origin: germline.
Comment: This missense variant replaces serine with alanine at codon 1836 of the MYH7 protein. Computational prediction suggests that this variant may not impact protein structure and function (internally defined REVEL score threshold <= 0.5, PMID: 27666373). To our knowledge, functional studies have not been reported for this variant. This variant has not been reported in individuals affected with cardiovascular disorders in the literature. This variant has not been identified in the general population by the Genome Aggregation Database (gnomAD). The available evidence is insufficient to determine the role of this variant in disease conclusively. Therefore, this variant is classified as a Variant of Uncertain Significance.